The following is an entry in ClinVar:

NM_172107.4(KCNQ2):c.1525+1G>A

Gene: KCNQ2 (potassium voltage-gated channel subfamily Q member 2; minus strand). Cytogenetic location: 20q13.33.
Variant type: single nucleotide variant.
Coding change: c.1525+1G>A on transcript NM_172107.4 (MANE Select); the canonical splice donor site of the intron after coding-DNA position 1525, G replaced by A.
Molecular consequence: splice donor variant.
Genome position (GRCh38, 1-based): chr20:63,414,902, C>T on the plus strand (G>A on the coding strand, the complement: KCNQ2 is on the minus strand). VCF-style: chr20-63414902-C-T. GRCh37 (hg19) VCF-style: chr20-62046255-C-T.
Other names: c.1441+1G>A (NM_004518.6); c.1435+1G>A (NM_172108.5); c.1471+1G>A (NM_172106.3, NM_001382235.1); c.1525+1G>A (NM_172107.3).
Identifiers: ClinVar variation 21763 (VCV000021763.11), dbSNP rs118192228, ClinGen allele CA342470.

ClinVar aggregate classification (germline): Pathogenic. Review status: criteria provided, multiple submitters, no conflicts (2 of 4 stars). 4 submissions from 4 submitters: Pathogenic (3). 1 of the submissions does not count toward it. Last evaluated 2025-07-10.

Conditions:
Early-infantile DEE. Also called: Early infantile epileptic encephalopathy with suppression bursts; Ohtahara syndrome; Early infantile epileptic encephalopathy. Identifiers: Orphanet 1934, MedGen C0393706, MONDO:0800491.
KCNQ2-Related Disorders. Also called: KCNQ2-related condition; KCNQ2-related disorder. Identifiers: MedGen CN169299.
Seizures, benign familial neonatal, 1. Also called: Benign Neonatal Epilepsy 1; KCNQ2-Related Benign Familial Neonatal Epilepsy; KCNQ2-Related Self-Limited Familial Neonatal Epilepsy (SLFNE); Seizures, benign neonatal, 1. Identifiers: Orphanet 1949, MedGen C3149074, MONDO:0007365, OMIM 121200.

Submissions (4):

3billion
Classification: Pathogenic for KCNQ2-related disorder. Last evaluated: 2025-07-10. Review status: criteria provided, single submitter. Criteria: ACMG Guidelines, 2015. Collection method: clinical testing. Allele origin: germline. Affected: yes.
Comment: The variant is not observed in the gnomAD v4.1.0 dataset. Predicted Consequence/Location: Canonical splice site: predicted to alter splicing and result in a loss or disruption of normal protein function. Multiple pathogenic loss-of-function variants are reported downstream of the variant. In silico tools predict the variant to alter splicing and produce an abnormal transcript [SpliceAI: 0.99 (spliceogenicity >=0.2, non-spliceogenicity <0.1)]. The variant has been reported at least twice as pathogenic without evidence for the classification (ClinVar ID: VCV000021763 /PMID: 14985406). Therefore, this variant is classified as Pathogenic according to the recommendation of ACMG/AMP guideline.

Labcorp Genetics (formerly Invitae), Labcorp
Classification: Pathogenic for Early-infantile DEE. Last evaluated: 2025-01-23. Review status: criteria provided, single submitter. Criteria: Invitae Variant Classification Sherloc (09022015). Collection method: clinical testing. Allele origin: germline.
Comment: This sequence change affects a donor splice site in intron 13 of the KCNQ2 gene. It is expected to disrupt RNA splicing. Variants that disrupt the donor or acceptor splice site typically lead to a loss of protein function (PMID: 16199547), and loss-of-function variants in KCNQ2 are known to be pathogenic (PMID: 14534157, 23692823, 27779742). This variant is not present in population databases (gnomAD no frequency). Disruption of this splice site has been observed in individual(s) with benign familial neonatal seizures (PMID: 25982755). It has also been observed to segregate with disease in related individuals. ClinVar contains an entry for this variant (Variation ID: 21763). Algorithms developed to predict the effect of sequence changes on RNA splicing suggest that this variant may disrupt the consensus splice site. For these reasons, this variant has been classified as Pathogenic.

Victorian Clinical Genetics Services, Murdoch Childrens Research Institute
Classification: Pathogenic for Seizures, benign familial neonatal, 1. Last evaluated: 2024-09-22. Review status: criteria provided, single submitter. Criteria: ACMG Guidelines, 2015. Collection method: clinical testing. Allele origin: germline. Inheritance: Autosomal dominant inheritance. Affected: yes.
Comment: Based on the classification scheme VCGS_Germline_v1.3.4, this variant is classified as Pathogenic. Following criteria are met: 0103 - Dominant negative and loss of function are known mechanisms of disease in this gene and are associated with developmental and epileptic encephalopathy 7 (DEE; MIM#613720) and benign neonatal seizures 1 (BFNS1; MIM#121200), respectively (PMID: 20437616). There is currently no phenotypic correlation in terms of variant types or location (PMID: 31418850). (I) 0107 - This gene is associated with autosomal dominant disease. (I) 0112 - The condition associated with this gene has incomplete penetrance; however, this is only reported for individuals with BFNS1 (PMID: 25959266). (I) 0211 - Canonical splice site variant without proven consequence on splicing (no functional evidence available). (SP) 0251 - This variant is heterozygous. (I) 0301 - Variant is absent from gnomAD (both v2 and v3). (SP) 0505 - Abnormal splicing is predicted by in silico tools and affected nucleotide is highly conserved. (SP) 0704 - Another canonical splice site variant comparable to the one identified in this case has limited previous evidence for pathogenicity. c.1525+2T>C has been reported as pathogenic by a clinical testing laboratory (ClinVar). (SP) 0803 - This variant has limited previous evidence of pathogenicity in an unrelated individual. It has been reported as pathogenic by a clinical testing laboratory in an individual with seizures (ClinVar). (SP) 0902 - This variant has moderate evidence for segregation with disease. In this individual’s family, the variant is heterozygous in seven affected individuals and one unaffected individual (PMID: 25982755). (SP) 1007 - No published functional evidence has been identified for this variant. (I) 1206 - This variant has been shown to be paternally inherited (PMID: 25982755). (I) Legend: (SP) - Supporting pathogenic, (I) - Information, (SB) - Supporting benign

GeneReviews
No classification provided. Condition: Seizures, benign familial neonatal, 1. Review status: no classification provided. Collection method: literature only. Allele origin: germline. Affected: yes. Not counted in ClinVar's aggregate classification.
Comment: BFNE (benign familial neonatal epilepsy)

Literature cited by the submitters: PubMed 14985406 (cited by 3billion and GeneReviews); PubMed 16199547 (cited by Labcorp Genetics (formerly Invitae), Labcorp); PubMed 14534157 (cited by Labcorp Genetics (formerly Invitae), Labcorp); PubMed 23692823 (cited by Labcorp Genetics (formerly Invitae), Labcorp); PubMed 27779742 (cited by Labcorp Genetics (formerly Invitae), Labcorp); PubMed 25982755 (cited by Labcorp Genetics (formerly Invitae), Labcorp and Victorian Clinical Genetics Services, Murdoch Childrens Research Institute); PubMed 20437616 (cited by Victorian Clinical Genetics Services, Murdoch Childrens Research Institute); PubMed 25959266 (cited by Victorian Clinical Genetics Services, Murdoch Childrens Research Institute); PubMed 31418850 (cited by Victorian Clinical Genetics Services, Murdoch Childrens Research Institute); NCBI Bookshelf NBK32534 (cited by GeneReviews).